The following is an entry in ClinVar:

ClinVar aggregate classification (germline): Conflicting classifications of pathogenicity. Review status: criteria provided, conflicting classifications (1 of 4 stars). 2 submissions from 2 submitters: Likely pathogenic (1); Uncertain significance (1). Last evaluated 2024-10-24.

Conditions:
Pheochromocytoma/paraganglioma syndrome 4. Also called: CAROTID BODY TUMORS AND MULTIPLE EXTRAADRENAL PHEOCHROMOCYTOMAS; PARAGANGLIOMA, FAMILIAL MALIGNANT; PARAGANGLIOMAS, HEREDITARY EXTRAADRENAL; PHEOCHROMOCYTOMA, FAMILIAL EXTRAADRENAL; SDHB-Related Hereditary Paraganglioma-Pheochromocytoma Syndrome (Paragangliomas 4); Paragangliomas 4. Identifiers: Orphanet 29072, MedGen C1861848, MONDO:0007273, OMIM 115310.
Gastrointestinal stromal tumor. Also called: Gastrointestinal stromal tumor, somatic; Gastrointestinal stroma tumor. Identifiers: Orphanet 44890, MedGen C0238198, MeSH D046152, MONDO:0011719, OMIM 606764, HP:0100723.
Pheochromocytoma. Also called: MAX-Related Hereditary Paraganglioma-Pheochromocytoma Syndrome. Identifiers: Orphanet 29072, MedGen C0031511, MONDO:0008233, OMIM 171300, HP:0002666.

Submissions (2):

Labcorp Genetics (formerly Invitae), Labcorp
Classification: Uncertain significance for Gastrointestinal stromal tumor; Pheochromocytoma/paraganglioma syndrome 4; Pheochromocytoma. Last evaluated: 2024-10-24. Review status: criteria provided, single submitter. Criteria: Invitae Variant Classification Sherloc (09022015). Collection method: clinical testing. Allele origin: germline.
Comment: This sequence change replaces cysteine, which is neutral and slightly polar, with serine, which is neutral and polar, at codon 192 of the SDHB protein (p.Cys192Ser). This variant is not present in population databases (gnomAD no frequency). This missense change has been observed in individual(s) with paraganglioma (internal data). ClinVar contains an entry for this variant (Variation ID: 44645). Invitae Evidence Modeling of protein sequence and biophysical properties (such as structural, functional, and spatial information, amino acid conservation, physicochemical variation, residue mobility, and thermodynamic stability) indicates that this missense variant is expected to disrupt SDHB protein function with a positive predictive value of 80%. This variant disrupts the p.Cys192 amino acid residue in SDHB. Other variant(s) that disrupt this residue have been determined to be pathogenic (PMID: 12000816, 16317055, 17200167, 18382370, 19454582, 22517554, 22835832, 25371406, 27785149, 28374168, 34906457). This suggests that this residue is clinically significant, and that variants that disrupt this residue are likely to be disease-causing. In summary, the available evidence is currently insufficient to determine the role of this variant in disease. Therefore, it has been classified as a Variant of Uncertain Significance.

Laboratory for Molecular Medicine, Mass General Brigham Personalized Medicine
Classification: Likely pathogenic for Gastrointestinal stromal tumor. Last evaluated: 2013-09-13. Review status: criteria provided, single submitter. Criteria: LMM Criteria. Collection method: clinical testing. Allele origin: germline. Inheritance: Autosomal dominant inheritance. Observed: 3 variant alleles.
Comment: The Cys192Ser variant in SDHB has not been previously reported in any other fami lies with hereditary paragangliomas and pheochromocytomas or GIST. This variant has not been identified in large population studies. Computational analyses (bio chemical amino acid properties, conservation, AlignGVGD, PolyPhen2, and SIFT) su ggest that this variant may impact the protein, though this information is not p redictive enough to determine pathogenicity. Finally, similar variants at the sa me position (Cys192Arg, Cys192Tyr) have been reported in individuals with heredi tary paragangliomas and pheochromocytomas (Neuman 2002, Benn 2006, Lefebre 2012) . While collectively, this information supports that the Cys192Ser variant is li kely pathogenic, additional studies are needed to fully establish its clinical s ignificance.

Literature cited by the submitters: PubMed 12000816 (cited by Labcorp Genetics (formerly Invitae), Labcorp and Laboratory for Molecular Medicine, Mass General Brigham Personalized Medicine); PubMed 16317055 (cited by Labcorp Genetics (formerly Invitae), Labcorp and Laboratory for Molecular Medicine, Mass General Brigham Personalized Medicine); PubMed 17200167 (cited by Labcorp Genetics (formerly Invitae), Labcorp); PubMed 18382370 (cited by Labcorp Genetics (formerly Invitae), Labcorp); PubMed 19454582 (cited by Labcorp Genetics (formerly Invitae), Labcorp); PubMed 22517554 (cited by Labcorp Genetics (formerly Invitae), Labcorp and Laboratory for Molecular Medicine, Mass General Brigham Personalized Medicine); PubMed 22835832 (cited by Labcorp Genetics (formerly Invitae), Labcorp); PubMed 25371406 (cited by Labcorp Genetics (formerly Invitae), Labcorp); PubMed 27785149 (cited by Labcorp Genetics (formerly Invitae), Labcorp); PubMed 28374168 (cited by Labcorp Genetics (formerly Invitae), Labcorp); PubMed 34906457 (cited by Labcorp Genetics (formerly Invitae), Labcorp).

NM_003000.3(SDHB):c.575G>C (p.Cys192Ser)

Gene: SDHB (succinate dehydrogenase complex iron sulfur subunit B; minus strand). Cytogenetic location: 1p36.13.
Variant type: single nucleotide variant.
Coding change: c.575G>C on transcript NM_003000.3 (MANE Select); coding-DNA position 575, G replaced by C.
Protein change: p.Cys192Ser; replaces cysteine 192 with serine.
Molecular consequence: missense variant.
Genome position (GRCh38, 1-based): chr1:17,024,040, C>G on the plus strand (G>C on the coding strand, the complement: SDHB is on the minus strand). VCF-style: chr1-17024040-C-G. GRCh37 (hg19) VCF-style: chr1-17350535-C-G.
Other names: short protein forms C192S.
Identifiers: ClinVar variation 44645 (VCV000044645.10), dbSNP rs397516835, ClinGen allele CA015991.